The following is an entry in ClinVar:

ClinVar aggregate classification (germline): Conflicting classifications of pathogenicity. Review status: criteria provided, conflicting classifications (1 of 4 stars). 2 submissions from 2 submitters: Likely pathogenic (1); Uncertain significance (1). Last evaluated 2026-01-07.

Conditions:
Hereditary cancer-predisposing syndrome. Also called: Hereditary Cancer Syndrome; Tumor predisposition; Neoplastic Syndromes, Hereditary; Hereditary neoplastic syndrome. Identifiers: Orphanet 140162, MedGen C0027672, MeSH D009386, MONDO:0015356.

gnomAD v4.1: 1 of 1,612,880 alleles (0.000062%); no homozygotes.

Submissions (4):

Labcorp Genetics (formerly Invitae), Labcorp
Classification: Likely pathogenic. Last evaluated: 2026-01-07. Review status: criteria provided, single submitter. Criteria: Invitae Variant Classification Sherloc (09022015). Collection method: clinical testing. Allele origin: germline.
Comment: This sequence change affects an acceptor splice site in intron 4 of the POLE gene. It is expected to disrupt RNA splicing. Variants that disrupt the donor or acceptor splice site typically lead to a loss of protein function (PMID: 16199547), and loss-of-function variants in POLE are known to be pathogenic (PMID: 23230001, 25948378, 30503519). This variant is not present in population databases (gnomAD no frequency). This variant has not been reported in the literature in individuals affected with POLE-related conditions. ClinVar contains an entry for this variant (Variation ID: 580562). Algorithms developed to predict the effect of sequence changes on RNA splicing suggest that this variant may disrupt the consensus splice site. In summary, the currently available evidence indicates that the variant is pathogenic, but additional data are needed to prove that conclusively. Therefore, this variant has been classified as Likely Pathogenic.

Ambry Genetics
Classification: Uncertain significance for Hereditary cancer-predisposing syndrome. Last evaluated: 2025-05-23. Review status: criteria provided, single submitter. Criteria: Ambry Variant Classification Scheme 2023. Collection method: clinical testing. Allele origin: germline.
Comment: The c.331-2A>G intronic variant results from an A to G substitution two nucleotides upstream from coding exon 5 in the POLE gene. Alterations that disrupt the canonical splice site are expected to result in aberrant splicing. In silico splice site analysis predicts that this alteration will weaken the native splice acceptor site and may result in the creation or strengthening of a novel splice acceptor site. A resulting transcript is predicted to be in-frame and is not expected to trigger nonsense-mediated mRNAdecay; although, direct evidence is unavailable. This nucleotide position is highly conserved in available vertebrate species. Based on the available evidence, the clinical significance of this variant remains unclear.

Dr. Peter K. Rogan Lab, Western University
No classification provided (evidence only). Condition: Gastric cancer. Review status: no classification provided. Collection method: in vitro. Allele origin: not applicable. Functional consequence: retained intron. Not counted in ClinVar's aggregate classification.

MutSpliceDB: a database of splice sites variants effects on splicing, NIH
No classification provided (evidence only). Review status: no classification provided. Collection method: in vivo. Allele origin: not applicable. Functional consequence: retained intron. Not counted in ClinVar's aggregate classification.

Literature cited by the submitters: PubMed 16199547 (cited by Labcorp Genetics (formerly Invitae), Labcorp); PubMed 23230001 (cited by Labcorp Genetics (formerly Invitae), Labcorp); PubMed 25948378 (cited by Labcorp Genetics (formerly Invitae), Labcorp); PubMed 30503519 (cited by Labcorp Genetics (formerly Invitae), Labcorp).

NM_006231.4(POLE):c.331-2A>G

Gene: POLE (DNA polymerase epsilon, catalytic subunit; minus strand). Cytogenetic location: 12q24.33.
Variant type: single nucleotide variant.
Coding change: c.331-2A>G on transcript NM_006231.4 (MANE Select); the canonical splice acceptor site of the intron before coding-DNA position 331, A replaced by G.
Molecular consequence: splice acceptor variant.
Genome position (GRCh38, 1-based): chr12:132,680,048, T>C on the plus strand (A>G on the coding strand, the complement: POLE is on the minus strand). VCF-style: chr12-132680048-T-C. GRCh37 (hg19) VCF-style: chr12-133256634-T-C.
Other names: NM_006231.4:c.331-2A>G; c.331-2A>G (NM_006231.2).
Identifiers: ClinVar variation 580562 (VCV000580562.12), dbSNP rs1565980363, ClinGen allele CA387368436.